The following is an entry in ClinVar:

ClinVar aggregate classification (germline): Uncertain significance. Review status: criteria provided, multiple submitters, no conflicts (2 of 4 stars). 2 submissions from 2 submitters: Uncertain significance (2). Last evaluated 2025-11-22.

Conditions:
Cardiovascular phenotype. Identifiers: MedGen CN230736.
Long QT syndrome (LQTS). Identifiers: MedGen C0023976, MeSH D008133, MONDO:0002442. Disease mechanism: loss of function. Inheritance: Various modes of inheritance.

Allele frequency attached by ClinVar (database versions not stated): TOPMed below 0.00001; ExAC 0.00001; gnomAD exomes 0.00001.
gnomAD v4.1: 3 of 1,614,054 alleles (0.00019%); highest among the groups gnomAD compares: Admixed American, 0.0017%; no homozygotes.

Submissions (2):

Labcorp Genetics (formerly Invitae), Labcorp
Classification: Uncertain significance for Long QT syndrome. Last evaluated: 2025-11-22. Review status: criteria provided, single submitter. Criteria: Invitae Variant Classification Sherloc (09022015). Collection method: clinical testing. Allele origin: germline.
Comment: This sequence change replaces histidine, which is basic and polar, with tyrosine, which is neutral and polar, at codon 3185 of the AKAP9 protein (p.His3185Tyr). This variant is present in population databases (rs757829658, gnomAD 0.0009%). This variant has not been reported in the literature in individuals affected with AKAP9-related conditions. ClinVar contains an entry for this variant (Variation ID: 2564471). An algorithm developed to predict the effect of missense changes on protein structure and function (PolyPhen-2) suggests that this variant is likely to be disruptive. In summary, the available evidence is currently insufficient to determine the role of this variant in disease. Therefore, it has been classified as a Variant of Uncertain Significance.

Ambry Genetics
Classification: Uncertain significance for Cardiovascular phenotype. Last evaluated: 2023-04-18. Review status: criteria provided, single submitter. Criteria: Ambry Variant Classification Scheme 2023. Collection method: clinical testing. Allele origin: germline.
Comment: The p.H3185Y variant (also known as c.9553C>T), located in coding exon 39 of the AKAP9 gene, results from a C to T substitution at nucleotide position 9553. The histidine at codon 3185 is replaced by tyrosine, an amino acid with similar properties. This amino acid position is conserved. In addition, this alteration is predicted to be tolerated by in silico analysis. Since supporting evidence is limited at this time, the clinical significance of this alteration remains unclear.

NM_005751.5(AKAP9):c.9553C>T (p.His3185Tyr)

Gene: AKAP9 (A-kinase anchoring protein 9; plus strand). Cytogenetic location: 7q21.2.
Variant type: single nucleotide variant.
Coding change: c.9553C>T on transcript NM_005751.5 (MANE Select); coding-DNA position 9553, C replaced by T.
Protein change: p.His3185Tyr; replaces histidine 3185 with tyrosine.
Molecular consequence: missense variant.
Genome position (GRCh38, 1-based): chr7:92,093,291, C>T. VCF-style: chr7-92093291-C-T. GRCh37 (hg19) VCF-style: chr7-91722605-C-T.
Other names: c.4198C>T, p.His1400Tyr (NM_001379277.1); c.9529C>T, p.His3177Tyr (NM_147185.3); short protein forms H3185Y, H1400Y, H3177Y.
Identifiers: ClinVar variation 2564471 (VCV002564471.3), dbSNP rs757829658, ClinGen allele CA4337776.